The following is an entry in ClinVar:

NM_004369.4(COL6A3):c.8758G>A (p.Ala2920Thr)

Gene: COL6A3 (collagen type VI alpha 3 chain; minus strand). Cytogenetic location: 2q37.3.
Variant type: single nucleotide variant.
Coding change: c.8758G>A on transcript NM_004369.4 (MANE Select); coding-DNA position 8758, G replaced by A.
Protein change: p.Ala2920Thr; replaces alanine 2920 with threonine.
Molecular consequence: missense variant.
Genome position (GRCh38, 1-based): chr2:237,336,342, C>T on the plus strand (G>A on the coding strand, the complement: COL6A3 is on the minus strand). VCF-style: chr2-237336342-C-T. GRCh37 (hg19) VCF-style: chr2-238244985-C-T.
Other names: c.6937G>A, p.Ala2313Thr (NM_057166.5); c.8140G>A, p.Ala2714Thr (NM_057167.4); short protein forms A2313T, A2714T, A2920T.
Identifiers: ClinVar variation 4885279 (VCV004885279.2).

ClinVar aggregate classification (germline): Uncertain significance (1 of 4 stars; one submission).

Submission:

Dasa
Classification: Uncertain significance. Last evaluated: 2025-01-17. Review status: criteria provided, single submitter. Criteria: DASA Assertion Criteria. Collection method: clinical testing. Allele origin: germline.
Comment: NM_004369.4(COL6A3):c.8758G>A (p.Ala2920Thr) is a missense variant that results in the substitution of alanine with threonine. This variant is absent from population databases. Computational prediction algorithms are consistent with a benign effect. The currently available literature and clinical evidence are not sufficient to establish a definitive association between this variant and the reported condition. Therefore, this variant is classified as a variant of uncertain significance.